The following is an entry in ClinVar:

NM_014043.4(CHMP2B):c.98C>T (p.Ala33Val)

Gene: CHMP2B (charged multivesicular body protein 2B; plus strand). Cytogenetic location: 3p11.2.
Variant type: single nucleotide variant.
Coding change: c.98C>T on transcript NM_014043.4 (MANE Select); coding-DNA position 98, C replaced by T.
Protein change: p.Ala33Val; replaces alanine 33 with valine.
Molecular consequence: missense variant. On other transcripts: intron variant (1).
Genome position (GRCh38, 1-based): chr3:87,240,762, C>T. VCF-style: chr3-87240762-C-T. GRCh37 (hg19) VCF-style: chr3-87289912-C-T.
Other names: c.194C>T, p.Ala65Val (NM_001410777.1); c.4-4952C>T (NM_001244644.2); short protein forms A33V, A65V.
Identifiers: ClinVar variation 4535845 (VCV004535845.1).

ClinVar aggregate classification (germline): Uncertain significance (1 of 4 stars; one submission).

gnomAD v4.1: 8 of 1,613,330 alleles (0.0005%); highest among the groups gnomAD compares: Middle Eastern, 0.017%; no homozygotes.

Submission:

Women's Health and Genetics/Laboratory Corporation of America, LabCorp
Classification: Uncertain significance. Last evaluated: 2025-09-03. Review status: criteria provided, single submitter. Criteria: LabCorp Variant Classification Summary - May 2015. Collection method: clinical testing. Allele origin: germline.
Comment: Variant summary: CHMP2B c.98C>T (p.Ala33Val) results in a non-conservative amino acid change in the encoded protein sequence. Algorithms developed to predict the effect of missense changes on protein structure and function are either unavailable or do not agree on the potential impact of this missense change. The variant was absent in 251274 control chromosomes. The available data on variant occurrences in the general population are insufficient to allow any conclusion about variant significance. To our knowledge, no occurrence of c.98C>T in individuals affected with CHMP2B-related conditions and no experimental evidence demonstrating its impact on protein function have been reported. No submitters have cited clinical-significance assessments for this variant to ClinVar. Based on the evidence outlined above, the variant was classified as uncertain significance.